The following is an entry in ClinVar:

ClinVar aggregate classification (germline): Uncertain significance (1 of 4 stars; one submission).

Allele frequency attached by ClinVar (database versions not stated): gnomAD 0.00001; 1000 Genomes Project 0.00020; 1000 Genomes Project 30x 0.00031.
gnomAD v4.1: 1 of 1,613,548 alleles (0.000062%); highest among the groups gnomAD compares: East Asian, 0.0022%; no homozygotes.

Submission:

Labcorp Genetics (formerly Invitae), Labcorp
Classification: Uncertain significance. Last evaluated: 2023-12-07. Review status: criteria provided, single submitter. Criteria: Invitae Variant Classification Sherloc (09022015). Collection method: clinical testing. Allele origin: germline.
Comment: This sequence change replaces proline, which is neutral and non-polar, with leucine, which is neutral and non-polar, at codon 57 of the POLG2 protein (p.Pro57Leu). This variant is not present in population databases (gnomAD no frequency). This variant has not been reported in the literature in individuals affected with POLG2-related conditions. ClinVar contains an entry for this variant (Variation ID: 1713926). An algorithm developed to predict the effect of missense changes on protein structure and function (PolyPhen-2) suggests that this variant is likely to be tolerated. In summary, the available evidence is currently insufficient to determine the role of this variant in disease. Therefore, it has been classified as a Variant of Uncertain Significance.

NM_007215.4(POLG2):c.170C>T (p.Pro57Leu)

Genes: MILR1 (mast cell immunoglobulin like receptor 1; plus strand), POLG2 (DNA polymerase gamma 2, accessory subunit; minus strand). Cytogenetic location: 17q23.3.
Variant type: single nucleotide variant.
Coding change: c.170C>T on transcript NM_007215.4 (MANE Select); coding-DNA position 170, C replaced by T.
Protein change: p.Pro57Leu; replaces proline 57 with leucine.
Molecular consequence: missense variant.
Genome position (GRCh38, 1-based): chr17:64,496,799, G>A on the plus strand (C>T on the coding strand, the complement: POLG2 is on the minus strand). VCF-style: chr17-64496799-G-A. GRCh37 (hg19) VCF-style: chr17-62492917-G-A.
Other names: short protein forms P57L.
Identifiers: ClinVar variation 1713926 (VCV001713926.5), dbSNP rs561230251, ClinGen allele CA293017142.